The following is an entry in ClinVar:

ClinVar aggregate classification (germline): Pathogenic (1 of 4 stars; one submission).

Conditions:
Rubinstein-Taybi syndrome due to EP300 haploinsufficiency. Also called: EP300-Related Rubinstein-Taybi Syndrome; RUBINSTEIN-TAYBI SYNDROME 2. Identifiers: Orphanet 353284, Orphanet 783, MedGen C3150941, MONDO:0013364, OMIM 613684.

Submission:

Labcorp Genetics (formerly Invitae), Labcorp
Classification: Pathogenic for Rubinstein-Taybi syndrome due to EP300 haploinsufficiency. Last evaluated: 2020-01-29. Review status: criteria provided, single submitter. Criteria: Invitae Variant Classification Sherloc (09022015). Collection method: clinical testing. Allele origin: germline.
Comment: For these reasons, this variant has been classified as Pathogenic. Loss-of-function variants in EP300 are known to be pathogenic (PMID: 15706485, 24476420). This variant has not been reported in the literature in individuals with EP300-related conditions. This variant is not present in population databases (ExAC no frequency). This sequence change creates a premature translational stop signal (p.Lys1407Thrfs*2) in the EP300 gene. It is expected to result in an absent or disrupted protein product.

Literature cited by the submitters: PubMed 15706485; PubMed 24476420.

NM_001429.4(EP300):c.4216_4219dup (p.Lys1407delinsThrTer)

Gene: EP300 (EP300 lysine acetyltransferase; plus strand). Cytogenetic location: 22q13.2.
Variant type: Duplication.
Coding change: c.4216_4219dup on transcript NM_001429.4 (MANE Select); coding-DNA positions 4216 to 4219, 4 bases duplicated (CCTA; older notation c.4216_4219dupCCTA).
Protein change: p.Lys1407delinsThrTer.
Molecular consequence: nonsense.
Genome position (GRCh38, 1-based): chr22:41,169,546-41,169,549, CCTA duplicated. VCF-style (leftmost placement, unchanged base first): chr22-41169545-T-TCCTA. GRCh37 (hg19) VCF-style: chr22-41565549-T-TCCTA.
Other names: c.4138_4141dup, p.Lys1381delinsThrTer (NM_001362843.2).
Identifiers: ClinVar variation 1068928 (VCV001068928.9), dbSNP rs2145765098, ClinGen allele CA2499226191.